The following is an entry in ClinVar:

NM_001277115.2(DNAH11):c.1572C>A (p.Asp524Glu)

Gene: DNAH11 (dynein axonemal heavy chain 11; plus strand). Cytogenetic location: 7p15.3.
Variant type: single nucleotide variant.
Coding change: c.1572C>A on transcript NM_001277115.2 (MANE Select); coding-DNA position 1572, C replaced by A.
Protein change: p.Asp524Glu; replaces aspartic acid 524 with glutamic acid.
Molecular consequence: missense variant.
Genome position (GRCh38, 1-based): chr7:21,571,952, C>A. VCF-style: chr7-21571952-C-A. GRCh37 (hg19) VCF-style: chr7-21611570-C-A.
Other names: short protein forms D524E.
Identifiers: ClinVar variation 3503060 (VCV003503060.1).

ClinVar aggregate classification (germline): Uncertain significance (1 of 4 stars; one submission).

Conditions:
Primary ciliary dyskinesia. Also called: Ciliary dyskinesia. Identifiers: Orphanet 244, MedGen C0008780, MONDO:0016575, HP:0012265.

gnomAD v4.1: 1 of 1,582,318 alleles (0.000063%); highest among the groups gnomAD compares: Non-Finnish European, 0.000086%; no homozygotes.

Submission:

Ambry Genetics
Classification: Uncertain significance for Primary ciliary dyskinesia. Last evaluated: 2024-07-11. Review status: criteria provided, single submitter. Criteria: Ambry Variant Classification Scheme 2023. Collection method: clinical testing. Allele origin: germline.
Comment: The p.D524E variant (also known as c.1572C>A), located in coding exon 8 of the DNAH11 gene, results from a C to A substitution at nucleotide position 1572. The aspartic acid at codon 524 is replaced by glutamic acid, an amino acid with highly similar properties. This amino acid position is conserved. In addition, this alteration is predicted to be tolerated by in silico analysis. Based on the available evidence, the clinical significance of this variant remains unclear.